The following is an entry in ClinVar:

NM_000051.4(ATM):c.445A>T (p.Ile149Phe)

Gene: ATM (ATM serine/threonine kinase; plus strand). Cytogenetic location: 11q22.3.
Variant type: single nucleotide variant.
Coding change: c.445A>T on transcript NM_000051.4 (MANE Select); coding-DNA position 445, A replaced by T.
Protein change: p.Ile149Phe; replaces isoleucine 149 with phenylalanine.
Molecular consequence: missense variant.
Genome position (GRCh38, 1-based): chr11:108,235,783, A>T. VCF-style: chr11-108235783-A-T. GRCh37 (hg19) VCF-style: chr11-108106510-A-T.
Other names: c.445A>T, p.Ile149Phe (NM_001351834.2); short protein forms I149F.
Identifiers: ClinVar variation 629296 (VCV000629296.15), dbSNP rs1565357194, ClinGen allele CA382525306.

ClinVar aggregate classification (germline): Uncertain significance. Review status: criteria provided, multiple submitters, no conflicts (2 of 4 stars). 4 submissions from 4 submitters: Uncertain significance (4). Last evaluated 2026-01-28.

Conditions:
Familial cancer of breast. Also called: BREAST CANCER, FAMILIAL; Hereditary breast cancer; hereditary breast carcinoma. Identifiers: Orphanet 227535, MedGen C0346153, MONDO:0016419, OMIM 114480. Disease mechanism: loss of function.
Ataxia-telangiectasia syndrome (AT). Also called: ATAXIA-TELANGIECTASIA, COMPLEMENTATION GROUP A; ATAXIA-TELANGIECTASIA, FRESNO VARIANT; LOUIS-BAR SYNDROME; Ataxia telangiectasia (A-T); Cerebello-oculocutaneous telangiectasia; Immunodeficiency with ataxia telangiectasia. Identifiers: Orphanet 100, MedGen C0004135, MONDO:0008840, OMIM 208900.
Hereditary cancer-predisposing syndrome. Also called: Tumor predisposition; Neoplastic Syndromes, Hereditary; Hereditary Cancer Syndrome; Hereditary neoplastic syndrome. Identifiers: Orphanet 140162, MedGen C0027672, MeSH D009386, MONDO:0015356.

Submissions (4):

Labcorp Genetics (formerly Invitae), Labcorp
Classification: Uncertain significance for Ataxia-telangiectasia syndrome. Last evaluated: 2026-01-28. Review status: criteria provided, single submitter. Criteria: Invitae Variant Classification Sherloc (09022015). Collection method: clinical testing. Allele origin: germline.
Comment: This sequence change replaces isoleucine, which is neutral and non-polar, with phenylalanine, which is neutral and non-polar, at codon 149 of the ATM protein (p.Ile149Phe). This variant is not present in population databases (gnomAD no frequency). This variant has not been reported in the literature in individuals affected with ATM-related conditions. ClinVar contains an entry for this variant (Variation ID: 629296). Invitae Evidence Modeling of protein sequence and biophysical properties (such as structural, functional, and spatial information, amino acid conservation, physicochemical variation, residue mobility, and thermodynamic stability) indicates that this missense variant is not expected to disrupt ATM protein function with a negative predictive value of 95%. In summary, the available evidence is currently insufficient to determine the role of this variant in disease. Therefore, it has been classified as a Variant of Uncertain Significance.

Ambry Genetics
Classification: Uncertain significance for Hereditary cancer-predisposing syndrome. Last evaluated: 2025-03-14. Review status: criteria provided, single submitter. Criteria: Ambry Variant Classification Scheme 2023. Collection method: clinical testing. Allele origin: germline.
Comment: The p.I149F variant (also known as c.445A>T), located in coding exon 4 of the ATM gene, results from an A to T substitution at nucleotide position 445. The isoleucine at codon 149 is replaced by phenylalanine, an amino acid with highly similar properties. This amino acid position is conserved. In addition, this alteration is predicted to be deleterious by in silico analysis. Based on the available evidence, the clinical significance of this variant remains unclear.

Baylor Genetics
Classification: Uncertain significance for Familial cancer of breast. Last evaluated: 2023-08-10. Review status: criteria provided, single submitter. Criteria: ACMG Guidelines, 2015. Collection method: clinical testing. Allele origin: unknown.

Color Diagnostics, LLC DBA Color Health
Classification: Uncertain significance for Hereditary cancer-predisposing syndrome. Last evaluated: 2019-10-16. Review status: criteria provided, single submitter. Criteria: ACMG Guidelines, 2015. Collection method: clinical testing. Allele origin: germline.
Comment: This missense variant replaces isoleucine with phenylalanine at codon 149 of the ATM protein. Computational prediction suggests that this variant may not impact protein structure and function (internally defined REVEL score threshold <= 0.5, PMID: 27666373). Splice site prediction tools suggest that this variant may not impact RNA splicing. To our knowledge, functional studies have not been performed for this variant. This variant has not been reported in individuals affected with hereditary cancer in the literature. This variant has not been identified in the general population by the Genome Aggregation Database (gnomAD). The available evidence is insufficient to determine the role of this variant in disease conclusively. Therefore, this variant is classified as a Variant of Uncertain Significance.